The following is an entry in ClinVar:

NC_000017.11:g.44001638C>T

Genes: NAGS (N-acetylglutamate synthase; plus strand), PYY (peptide YY; minus strand). Cytogenetic location: 17q21.31.
Variant type: single nucleotide variant.
Molecular consequence: intron variant (on NM_004160.6).
Genome position: GRCh38 VCF-style: chr17-44001638-C-T. GRCh37 (hg19) VCF-style: chr17-42079006-C-T.
Other names: c.-3026C>T (NM_153006.3); c.-463+2753G>A (NM_004160.6).
Identifiers: ClinVar variation 2192016 (VCV002192016.4), dbSNP rs1418729056, ClinGen allele CA772274174.

ClinVar aggregate classification (germline): Conflicting classifications of pathogenicity. Review status: criteria provided, conflicting classifications (1 of 4 stars). 2 submissions from 2 submitters: Pathogenic (1); Uncertain significance (1). Last evaluated 2024-08-09.

Conditions:
Hyperammonemia, type III (NAGSD). Also called: Hyperammonemia due to N-acetylglutamate synthase deficiency. Identifiers: Orphanet 927, MedGen C0268543, MONDO:0009377, OMIM 237310.

Allele frequency attached by ClinVar (database versions not stated): TOPMed 0.00001; gnomAD 0.00002.
gnomAD v4.1: 3 of 152,192 alleles (0.002%); highest among the groups gnomAD compares: Admixed American, 0.013%; no homozygotes.

Submissions (2):

Women's Health and Genetics/Laboratory Corporation of America, LabCorp
Classification: Pathogenic for Hyperammonemia, type III. Last evaluated: 2024-08-09. Review status: criteria provided, single submitter. Criteria: LabCorp Variant Classification Summary - May 2015. Collection method: clinical testing. Allele origin: germline.
Comment: Variant summary: NAGS c.-3026C>T is located in an enhancer in the untranscribed region upstream of the NAGS gene region. The variant allele was found at a frequency of 2e-05 in 152192 control chromosomes. c.-3026C>T has been reported in the literature in three homozygous individuals affected with Hyperammonemia, type III from two different families (Williams_2018). These data indicate that the variant is very likely to be associated with disease. At least one publication reports experimental evidence evaluating the impact of the variant on NAGS expression using a reporter gene assay in HepG2 cells. The variant resulted in a modest but significant decrease in NAGS expression, exhibiting approximately 80% NAGS expression versus the wild-type NAGS enhancer.The following publication has been ascertained in the context of this evaluation (PMID: 30337552). ClinVar contains an entry for this variant (Variation ID: 2192016). Based on the evidence outlined above, the variant was classified as pathogenic.

Labcorp Genetics (formerly Invitae), Labcorp
Classification: Uncertain significance for Hyperammonemia, type III. Last evaluated: 2023-09-13. Review status: criteria provided, single submitter. Criteria: Invitae Variant Classification Sherloc (09022015). Collection method: clinical testing. Allele origin: germline.
Comment: This variant occurs in a non-coding region of the NAGS gene. It does not change the encoded amino acid sequence of the NAGS protein. This variant is not present in population databases (gnomAD no frequency). This variant has not been reported in the literature in individuals affected with NAGS-related conditions. Experimental studies and prediction algorithms are not available or were not evaluated, and the functional significance of this variant is currently unknown. In summary, the available evidence is currently insufficient to determine the role of this variant in disease. Therefore, it has been classified as a Variant of Uncertain Significance.

Literature cited by the submitters: PubMed 30337552 (cited by Women's Health and Genetics/Laboratory Corporation of America, LabCorp).